The following is an entry in ClinVar:

NM_000484.4(APP):c.819CAC[9] (p.Thr279_Thr280dup)

Gene: APP (amyloid beta precursor protein; minus strand). Cytogenetic location: 21q21.3.
Variant type: Microsatellite.
Coding change: c.819CAC[9] on transcript NM_000484.4 (MANE Select); nine copies in a row of the 3-base unit CAC starting at c.819; the reference has seven copies in a row; two copies, 6 bases duplicated.
Protein change: p.Thr279_Thr280dup.
Molecular consequence: inframe insertion.
Genome position (GRCh38, 1-based): chr21:26,021,866-26,021,871, GTGGTG duplicated on the plus strand (CACCAC on the coding strand, the reverse complement: APP is on the minus strand); duplicating any 6 consecutive bases within chr21:26,021,866-26,021,887 gives the same sequence; the position shown is the placement nearest the transcript's 3' end. VCF-style (leftmost placement, unchanged base first): chr21-26021865-T-TGTGGTG. GRCh37 (hg19) VCF-style: chr21-27394181-T-TGTGGTG.
Other names: c.804CAC[9], p.Thr274_Thr275dup (NM_001136016.3); c.651CAC[9], p.Thr223_Thr224dup (NM_001136129.3, NM_001136130.3); c.714CAC[9], p.Thr244_Thr245dup (NM_001136131.3); c.819CAC[9], p.Thr279_Thr280dup (NM_001204301.2, NM_001204302.2, NM_001204303.2 and 3 more transcripts).
Identifiers: ClinVar variation 1346978 (VCV001346978.8), dbSNP rs527890624, ClinGen allele CA637622060.

ClinVar aggregate classification (germline): Uncertain significance (1 of 4 stars; one submission).

Conditions:
Alzheimer disease. Also called: Alzheimer's disease; Presenile and senile dementia. Identifiers: Orphanet 1020, MedGen C0002395, MeSH D000544, MONDO:0004975, HP:0002511.

Submission:

Labcorp Genetics (formerly Invitae), Labcorp
Classification: Uncertain significance for Alzheimer disease. Last evaluated: 2022-05-20. Review status: criteria provided, single submitter. Criteria: Invitae Variant Classification Sherloc (09022015). Collection method: clinical testing. Allele origin: germline.
Comment: This variant has been observed in individual(s) with clinical features of APP-related conditions (Invitae). In summary, the available evidence is currently insufficient to determine the role of this variant in disease. Therefore, it has been classified as a Variant of Uncertain Significance. Experimental studies and prediction algorithms are not available or were not evaluated, and the functional significance of this variant is currently unknown. This variant is present in population databases (no rsID available, gnomAD 0.005%). This variant, c.834_839dup, results in the insertion of 2 amino acid(s) of the APP protein (p.Thr279_Thr280dup), but otherwise preserves the integrity of the reading frame.